The following is an entry in ClinVar:

ClinVar aggregate classification (germline): Uncertain significance (1 of 4 stars; one submission).

Submission:

Ambry Genetics
Classification: Uncertain significance. Last evaluated: 2025-01-20. Review status: criteria provided, single submitter. Criteria: Ambry Variant Classification Scheme 2023. Collection method: clinical testing. Allele origin: germline.
Comment: The p.M1052T variant (also known as c.3155T>C), located in coding exon 28 of the KIF1B gene, results from a T to C substitution at nucleotide position 3155. The methionine at codon 1052 is replaced by threonine, an amino acid with similar properties. This amino acid position is conserved. In addition, this alteration is predicted to be tolerated by in silico analysis. Based on the available evidence, the clinical significance of this variant remains unclear.

NM_001365951.3(KIF1B):c.3293T>C (p.Met1098Thr)

Gene: KIF1B (kinesin family member 1B; plus strand). Cytogenetic location: 1p36.22.
Variant type: single nucleotide variant.
Coding change: c.3293T>C on transcript NM_001365951.3 (MANE Select); coding-DNA position 3293, T replaced by C.
Protein change: p.Met1098Thr; replaces methionine 1098 with threonine.
Molecular consequence: missense variant.
Genome position (GRCh38, 1-based): chr1:10,337,404, T>C. VCF-style: chr1-10337404-T-C. GRCh37 (hg19) VCF-style: chr1-10397462-T-C.
Other names: c.3293T>C, p.Met1098Thr (NM_001365952.1); c.3155T>C, p.Met1052Thr (NM_015074.3); short protein forms M1052T, M1098T.
Identifiers: ClinVar variation 3864022 (VCV003864022.1).
Genomic context (GRCh38, chr1:10,337,404, plus strand): 5'-TCTGTGTCTTCATTTGACCCTCTTTAGATTTGAAGTCAAGCACTTTGCTGGATGGTAAGA[T>C]GGTAATGGAAGGGTTTTCTGAAGAGATTGGCAACCACCTGAAACTGGGCAGTGCCTTCAC-3'
Protein context (NP_001352880.1, residues 1088-1108): LKSSTLLDGK[Met1098Thr]VMEGFSEEIG